The following is an entry in ClinVar:

NM_000222.3(KIT):c.1081G>T (p.Asp361Tyr)

Gene: KIT (KIT proto-oncogene, receptor tyrosine kinase; plus strand). Cytogenetic location: 4q12.
Variant type: single nucleotide variant.
Coding change: c.1081G>T on transcript NM_000222.3 (MANE Select); coding-DNA position 1081, G replaced by T.
Protein change: p.Asp361Tyr; replaces aspartic acid 361 with tyrosine.
Molecular consequence: missense variant.
Genome position (GRCh38, 1-based): chr4:54,707,253, G>T. VCF-style: chr4-54707253-G-T. GRCh37 (hg19) VCF-style: chr4-55573419-G-T.
Other names: c.1081G>T (NM_000222.2); c.1081G>T, p.Asp361Tyr (NM_001093772.2, NM_001385285.1, NM_001385286.1); c.1084G>T, p.Asp362Tyr (NM_001385284.1, NM_001385288.1, NM_001385290.1 and 1 more transcripts); short protein forms D361Y, D362Y.
Identifiers: ClinVar variation 1464357 (VCV001464357.9), dbSNP rs2109705752, ClinGen allele CA356901124.
Genomic context (GRCh38, chr4:54,707,253, plus strand): 5'-CCCAAACCTGAACACCAGCAGTGGATCTATATGAACAGAACCTTCACTGATAAATGGGAA[G>T]ATTATCCCAAGTCTGAGAATGAAAGTAATATCAGGTAAGAAATGGACCTTGCCCTGGGGG-3'
Protein context (NP_000213.1, residues 351-371): MNRTFTDKWE[Asp361Tyr]YPKSENESNI

ClinVar aggregate classification (germline): Uncertain significance. Review status: criteria provided, multiple submitters, no conflicts (2 of 4 stars). 2 submissions from 2 submitters: Uncertain significance (2). Last evaluated 2024-06-18.

Conditions:
Hereditary cancer-predisposing syndrome. Also called: Hereditary neoplastic syndrome; Tumor predisposition; Hereditary Cancer Syndrome; Neoplastic Syndromes, Hereditary. Identifiers: Orphanet 140162, MedGen C0027672, MeSH D009386, MONDO:0015356.
Gastrointestinal stromal tumor. Also called: Gastrointestinal stroma tumor; Gastrointestinal stromal tumor, somatic. Identifiers: Orphanet 44890, MedGen C0238198, MeSH D046152, MONDO:0011719, OMIM 606764, HP:0100723.

Submissions (2):

Ambry Genetics
Classification: Uncertain significance for Hereditary cancer-predisposing syndrome. Last evaluated: 2024-06-18. Review status: criteria provided, single submitter. Criteria: Ambry Variant Classification Scheme 2023. Collection method: clinical testing. Allele origin: germline.
Comment: The p.D361Y variant (also known as c.1081G>T), located in coding exon 6 of the KIT gene, results from a G to T substitution at nucleotide position 1081. The aspartic acid at codon 361 is replaced by tyrosine, an amino acid with highly dissimilar properties. This amino acid position is conserved. In addition, this alteration is predicted to be tolerated by in silico analysis. Based on the available evidence, the clinical significance of this variant remains unclear.

Labcorp Genetics (formerly Invitae), Labcorp
Classification: Uncertain significance for Gastrointestinal stromal tumor. Last evaluated: 2024-02-24. Review status: criteria provided, single submitter. Criteria: Invitae Variant Classification Sherloc (09022015). Collection method: clinical testing. Allele origin: germline.
Comment: This sequence change replaces aspartic acid, which is acidic and polar, with tyrosine, which is neutral and polar, at codon 361 of the KIT protein (p.Asp361Tyr). This variant is not present in population databases (gnomAD no frequency). This variant has not been reported in the literature in individuals affected with KIT-related conditions. ClinVar contains an entry for this variant (Variation ID: 1464357). An algorithm developed to predict the effect of missense changes on protein structure and function (PolyPhen-2) suggests that this variant is likely to be tolerated. In summary, the available evidence is currently insufficient to determine the role of this variant in disease. Therefore, it has been classified as a Variant of Uncertain Significance.